The following is an entry in ClinVar:

NM_000170.3(GLDC):c.635+16A>G

Gene: GLDC (glycine decarboxylase; minus strand). Cytogenetic location: 9p24.1.
Variant type: single nucleotide variant.
Coding change: c.635+16A>G on transcript NM_000170.3 (MANE Select); 16 bases into the intron after coding-DNA position 635, A replaced by G.
Molecular consequence: intron variant.
Genome position (GRCh38, 1-based): chr9:6,610,176, T>C on the plus strand (A>G on the coding strand, the complement: GLDC is on the minus strand). VCF-style: chr9-6610176-T-C. GRCh37 (hg19) VCF-style: chr9-6610176-T-C.
Identifiers: ClinVar variation 1598560 (VCV001598560.10), dbSNP rs182471927, ClinGen allele CA4981069.

ClinVar aggregate classification (germline): Benign/Likely benign. Review status: criteria provided, multiple submitters, no conflicts (2 of 4 stars). 3 submissions from 3 submitters: Benign (2); Likely benign (1). Last evaluated 2026-01-26.

Conditions:
Glycine encephalopathy. Also called: Non-ketotic hyperglycinemia; Nonketotic hyperglycinemia. Identifiers: Orphanet 407, MedGen C0751748, MONDO:0011612, HP:0008288.

Allele frequency attached by ClinVar (database versions not stated): gnomAD 0.00012 and 0.00014; gnomAD exomes 0.00021; 1000 Genomes Project 30x 0.00031; 1000 Genomes Project 0.00040; ExAC 0.00042.
gnomAD v4.1: 271 of 1,597,306 alleles (0.017%); highest among the groups gnomAD compares: East Asian, 0.52%; 1 homozygote.

Submissions (3):

Labcorp Genetics (formerly Invitae), Labcorp
Classification: Benign for Glycine encephalopathy. Last evaluated: 2026-01-26. Review status: criteria provided, single submitter. Criteria: Invitae Variant Classification Sherloc (09022015). Collection method: clinical testing. Allele origin: germline.

Blueprint Genetics
Classification: Likely benign. Last evaluated: 2024-10-21. Review status: criteria provided, single submitter. Criteria: ACMG Guidelines, 2015. Collection method: clinical testing. Allele origin: germline.

Women's Health and Genetics/Laboratory Corporation of America, LabCorp
Classification: Benign. Last evaluated: 2023-11-17. Review status: criteria provided, single submitter. Criteria: LabCorp Variant Classification Summary - May 2015. Collection method: clinical testing. Allele origin: germline.
Comment: Variant summary: GLDC c.635+16A>G alters a non-conserved nucleotide located at a position not widely known to affect splicing. Consensus agreement among computation tools predict no significant impact on normal splicing. However, these predictions have yet to be confirmed by functional studies. The variant allele was found at a frequency of 0.00017 in 1597306 control chromosomes, predominantly at a frequency of 0.0052 within the East Asian subpopulation in the gnomAD database, including 1 homozygote. The observed variant frequency within East Asian control individuals in the gnomAD database is approximately 1.7 fold of the estimated maximal expected allele frequency for a pathogenic variant in GLDC causing Glycine Encephalopathy (Non-Ketotic Hyperglycinemia) phenotype (0.0031), strongly suggesting that the variant is a benign polymorphism found primarily in populations of East Asian origin. To our knowledge, no occurrence of c.635+16A>G in individuals affected with Glycine Encephalopathy (Non-Ketotic Hyperglycinemia) and no experimental evidence demonstrating its impact on protein function have been reported. One submitter has cited clinical-significance assessments for this variant to ClinVar after 2014 and has classified the variant as benign. Based on the evidence outlined above, the variant was classified as benign.